The following is an entry in ClinVar:

NM_012418.4(FSCN2):c.991A>C (p.Asn331His)

Gene: FSCN2 (fascin actin-bundling protein 2, retinal; plus strand). Cytogenetic location: 17q25.3.
Variant type: single nucleotide variant.
Coding change: c.991A>C on transcript NM_012418.4 (MANE Select); coding-DNA position 991, A replaced by C.
Protein change: p.Asn331His; replaces asparagine 331 with histidine.
Molecular consequence: missense variant.
Genome position (GRCh38, 1-based): chr17:81,536,153, A>C. VCF-style: chr17-81536153-A-C. GRCh37 (hg19) VCF-style: chr17-79503179-A-C.
Other names: c.991A>C, p.Asn331His (NM_001077182.3); short protein forms N331H.
Identifiers: ClinVar variation 1427517 (VCV001427517.6), dbSNP rs773882217, ClinGen allele CA8836920.

ClinVar aggregate classification (germline): Uncertain significance (1 of 4 stars; one submission).

Allele frequency attached by ClinVar (database versions not stated): ExAC 0.00001; gnomAD 0.00001; gnomAD exomes 0.00003; TOPMed 0.00003.

Submission:

Labcorp Genetics (formerly Invitae), Labcorp
Classification: Uncertain significance. Last evaluated: 2025-03-17. Review status: criteria provided, single submitter. Criteria: Invitae Variant Classification Sherloc (09022015). Collection method: clinical testing. Allele origin: germline.
Comment: This sequence change replaces asparagine, which is neutral and polar, with histidine, which is basic and polar, at codon 331 of the FSCN2 protein (p.Asn331His). This variant is present in population databases (rs773882217, gnomAD 0.02%). This missense change has been observed in individual(s) with retinitis pigmentosa (PMID: 16280978). ClinVar contains an entry for this variant (Variation ID: 1427517). An algorithm developed to predict the effect of missense changes on protein structure and function (PolyPhen-2) suggests that this variant is likely to be disruptive. In summary, the available evidence is currently insufficient to determine the role of this variant in disease. Therefore, it has been classified as a Variant of Uncertain Significance.

Literature cited by the submitters: PubMed 16280978.